The following is an entry in ClinVar:

NM_053025.4(MYLK):c.3577A>C (p.Ser1193Arg)

Gene: MYLK (myosin light chain kinase; minus strand). Cytogenetic location: 3q21.1.
Variant type: single nucleotide variant.
Coding change: c.3577A>C on transcript NM_053025.4 (MANE Select); coding-DNA position 3577, A replaced by C.
Protein change: p.Ser1193Arg; replaces serine 1193 with arginine.
Molecular consequence: missense variant.
Genome position (GRCh38, 1-based): chr3:123,682,299, T>G on the plus strand (A>C on the coding strand, the complement: MYLK is on the minus strand). VCF-style: chr3-123682299-T-G. GRCh37 (hg19) VCF-style: chr3-123401146-T-G.
Other names: c.3049A>C, p.Ser1017Arg (NM_001321309.2); c.3370A>C, p.Ser1124Arg (NM_053026.4, NM_053028.4); c.3577A>C, p.Ser1193Arg (NM_053027.4); short protein forms S1017R, S1193R, S1124R.
Identifiers: ClinVar variation 652142 (VCV000652142.14), dbSNP rs759317891, ClinGen allele CA069856.

ClinVar aggregate classification (germline): Conflicting classifications of pathogenicity. Review status: criteria provided, conflicting classifications (1 of 4 stars). 5 submissions from 5 submitters: Uncertain significance (4); Likely benign (1). Last evaluated 2025-08-24.

Conditions:
Aortic aneurysm, familial thoracic 7 (AAT7). Also called: AORTIC DISSECTION, FAMILIAL, WITH OR WITHOUT AORTIC ANEURYSM. Identifiers: MedGen C3151077, MONDO:0013418, OMIM 613780.
Megacystis-microcolon-intestinal hypoperistalsis syndrome 1. Identifiers: MedGen C5542316, MONDO:0100354, OMIM 249210.
Familial thoracic aortic aneurysm and aortic dissection (TAAD). Also called: Thoracic aortic aneurysms and dissections. Identifiers: Orphanet 91387, MedGen C4707243, MONDO:0019625.

Allele frequency attached by ClinVar (database versions not stated): TOPMed below 0.00001; gnomAD exomes 0.00001 and 0.00002; ExAC 0.00004.
gnomAD v4.1: 13 of 1,600,722 alleles (0.00081%); highest among the groups gnomAD compares: Non-Finnish European, 0.000085%; no homozygotes.

Submissions (5):

Labcorp Genetics (formerly Invitae), Labcorp
Classification: Uncertain significance for Aortic aneurysm, familial thoracic 7. Last evaluated: 2025-08-24. Review status: criteria provided, single submitter. Criteria: Invitae Variant Classification Sherloc (09022015). Collection method: clinical testing. Allele origin: germline.
Comment: This sequence change replaces serine, which is neutral and polar, with arginine, which is basic and polar, at codon 1193 of the MYLK protein (p.Ser1193Arg). This variant is present in population databases (rs759317891, gnomAD 0.05%). This variant has not been reported in the literature in individuals affected with MYLK-related conditions. ClinVar contains an entry for this variant (Variation ID: 652142). Invitae Evidence Modeling of protein sequence and biophysical properties (such as structural, functional, and spatial information, amino acid conservation, physicochemical variation, residue mobility, and thermodynamic stability) indicates that this missense variant is not expected to disrupt MYLK protein function with a negative predictive value of 80%. In summary, the available evidence is currently insufficient to determine the role of this variant in disease. Therefore, it has been classified as a Variant of Uncertain Significance.

Ambry Genetics
Classification: Likely benign for Familial thoracic aortic aneurysm and aortic dissection. Last evaluated: 2025-06-09. Review status: criteria provided, single submitter. Criteria: Ambry Variant Classification Scheme 2023. Collection method: clinical testing. Allele origin: germline.

Women's Health and Genetics/Laboratory Corporation of America, LabCorp
Classification: Uncertain significance. Last evaluated: 2024-10-30. Review status: criteria provided, single submitter. Criteria: LabCorp Variant Classification Summary - May 2015. Collection method: clinical testing. Allele origin: germline.
Comment: Variant summary: MYLK c.3577A>C (p.Ser1193Arg) results in a non-conservative amino acid change in the encoded protein sequence. Four of five in-silico tools predict a benign effect of the variant on protein function. The variant allele was found at a frequency of 2.2e-05 in 228254 control chromosomes. The available data on variant occurrences in the general population are insufficient to allow any conclusion about variant significance. To our knowledge, no occurrence of c.3577A>C in individuals affected with Megacystis-Microcolon Hypoperistalsis Syndrome 1 and no experimental evidence demonstrating its impact on protein function have been reported. ClinVar contains an entry for this variant (Variation ID: 652142). Based on the evidence outlined above, the variant was classified as uncertain significance.

Fulgent Genetics
Classification: Uncertain significance for Megacystis-microcolon-intestinal hypoperistalsis syndrome 1; Aortic aneurysm, familial thoracic 7. Last evaluated: 2021-08-27. Review status: criteria provided, single submitter. Criteria: ACMG Guidelines, 2015. Collection method: clinical testing. Allele origin: unknown.

GeneDx
Classification: Uncertain significance. Last evaluated: 2020-11-26. Review status: criteria provided, single submitter. Criteria: GeneDx Variant Classification Process June 2021. Collection method: clinical testing. Allele origin: germline. Affected: yes.
Comment: Has not been previously published as pathogenic or benign to our knowledge; Not observed at a significant frequency in large population cohorts (Lek et al., 2016); In silico analysis supports that this missense variant does not alter protein structure/function; Reported in ClinVar as a variant of clinical significance (ClinVar Variant ID# 652142; Landrum et al., 2016)